The following is an entry in ClinVar:

NM_001364905.1(LRBA):c.7790G>A (p.Arg2597His)

Gene: LRBA (LPS responsive beige-like anchor protein; minus strand). Cytogenetic location: 4q31.3.
Variant type: single nucleotide variant.
Coding change: c.7790G>A on transcript NM_001364905.1 (MANE Select); coding-DNA position 7790, G replaced by A.
Protein change: p.Arg2597His; replaces arginine 2597 with histidine.
Molecular consequence: missense variant.
Genome position (GRCh38, 1-based): chr4:150,310,288, C>T on the plus strand (G>A on the coding strand, the complement: LRBA is on the minus strand). VCF-style: chr4-150310288-C-T. GRCh37 (hg19) VCF-style: chr4-151231440-C-T.
Other names: c.7790G>A, p.Arg2597His (NM_001199282.3); c.7805G>A, p.Arg2602His (NM_001367550.1); c.7823G>A, p.Arg2608His (NM_006726.5); short protein forms R2597H, R2602H, R2608H.
Identifiers: ClinVar variation 1005972 (VCV001005972.6), dbSNP rs753881814, ClinGen allele CA3101528.
Genomic context (GRCh38, chr4:150,310,288, plus strand): 5'-CCTGTGTCTGTAGAATAGACTCTGAAACTTTTATCCCAGAAGCCACAGACGAGAATATAG[C>T]GGTTGTCTGAAGTGATGACAAAGCACTGGGAATGCACTTGAATACTTTGGTCTAAAAGGT-3'
Protein context (NP_001351834.1, residues 2587-2607): SQCFVITSDN[Arg2597His]YILVCGFWDK

ClinVar aggregate classification (germline): Uncertain significance (1 of 4 stars; one submission).

Conditions:
Combined immunodeficiency due to LRBA deficiency. Also called: Common variable immunodeficiency 8, with autoimmunity. Identifiers: Orphanet 445018, MedGen C3553512, MONDO:0013863, OMIM 614700.

Allele frequency attached by ClinVar (database versions not stated): gnomAD exomes 0.00001 and 0.00002; ExAC 0.00002; TOPMed 0.00004; gnomAD 0.00005.
gnomAD v4.1: 29 of 1,611,810 alleles (0.0018%); highest among the groups gnomAD compares: African/African-American, 0.008%; no homozygotes.

Submission:

Labcorp Genetics (formerly Invitae), Labcorp
Classification: Uncertain significance for Combined immunodeficiency due to LRBA deficiency. Last evaluated: 2022-08-19. Review status: criteria provided, single submitter. Criteria: Invitae Variant Classification Sherloc (09022015). Collection method: clinical testing. Allele origin: germline.
Comment: In summary, the available evidence is currently insufficient to determine the role of this variant in disease. Therefore, it has been classified as a Variant of Uncertain Significance. Algorithms developed to predict the effect of missense changes on protein structure and function are either unavailable or do not agree on the potential impact of this missense change (SIFT: "Tolerated"; PolyPhen-2: "Probably Damaging"; Align-GVGD: "Class C0"). ClinVar contains an entry for this variant (Variation ID: 1005972). This variant has not been reported in the literature in individuals affected with LRBA-related conditions. This variant is present in population databases (rs753881814, gnomAD 0.002%). This sequence change replaces arginine, which is basic and polar, with histidine, which is basic and polar, at codon 2608 of the LRBA protein (p.Arg2608His).